The following is an entry in ClinVar:

NM_006019.4(TCIRG1):c.870G>A (p.Pro290=)

Gene: TCIRG1 (T cell immune regulator 1, ATPase H+ transporting V0 subunit a3; plus strand). Cytogenetic location: 11q13.2.
Variant type: single nucleotide variant.
Coding change: c.870G>A on transcript NM_006019.4 (MANE Select); coding-DNA position 870, G replaced by A.
Protein change: p.Pro290=; no amino-acid change (proline 290 retained).
Molecular consequence: synonymous variant. On other transcripts: 5 prime UTR variant (1).
Genome position (GRCh38, 1-based): chr11:68,044,194, G>A. VCF-style: chr11-68044194-G-A. GRCh37 (hg19) VCF-style: chr11-67811661-G-A.
Other names: c.-25G>A (NM_001351059.2); c.222G>A, p.Pro74= (NM_006053.4); c.870G>A (NM_006019.3).
Identifiers: ClinVar variation 1122638 (VCV001122638.9), dbSNP rs775370689, ClinGen allele CA6146839.

ClinVar aggregate classification (germline): Likely benign. Review status: criteria provided, single submitter (1 of 4 stars). 2 submissions from 2 submitters: Likely benign (1). 1 of the submissions does not count toward it. Last evaluated 2026-01-13.

Conditions:
TCIRG1-related disorder. Also called: TCIRG1-related condition.

Allele frequency attached by ClinVar (database versions not stated): gnomAD exomes 0.00003 and 0.00009; gnomAD 0.00004; ExAC 0.00005; TOPMed 0.00005.
gnomAD v4.1: 136 of 1,558,752 alleles (0.0087%); highest among the groups gnomAD compares: Non-Finnish European, 0.011%; no homozygotes.

Submissions (2):

Labcorp Genetics (formerly Invitae), Labcorp
Classification: Likely benign. Last evaluated: 2026-01-13. Review status: criteria provided, single submitter. Criteria: Invitae Variant Classification Sherloc (09022015). Collection method: clinical testing. Allele origin: germline.

PreventionGenetics, part of Exact Sciences
Classification: Likely benign for TCIRG1-related condition. Last evaluated: 2021-04-08. Review status: no assertion criteria provided. Collection method: clinical testing. Allele origin: germline. Not counted in ClinVar's aggregate classification.
Comment: This variant is classified as likely benign based on ACMG/AMP sequence variant interpretation guidelines (Richards et al. 2015 PMID: 25741868, with internal and published modifications).